The following is an entry in ClinVar:

ClinVar aggregate classification (germline): Uncertain significance (1 of 4 stars; one submission).

Conditions:
Tuberous sclerosis 2 (TSC2). Identifiers: Orphanet 805, MedGen C1860707, MONDO:0013199, OMIM 613254.

Submission:

Labcorp Genetics (formerly Invitae), Labcorp
Classification: Uncertain significance for Tuberous sclerosis 2. Last evaluated: 2023-12-29. Review status: criteria provided, single submitter. Criteria: Invitae Variant Classification Sherloc (09022015). Collection method: clinical testing. Allele origin: germline.
Comment: This sequence change falls in intron 40 of the TSC2 gene. It does not directly change the encoded amino acid sequence of the TSC2 protein. It affects a nucleotide within the consensus splice site. This variant is not present in population databases (gnomAD no frequency). This variant has not been reported in the literature in individuals affected with TSC2-related conditions. ClinVar contains an entry for this variant (Variation ID: 999054). Variants that disrupt the consensus splice site are a relatively common cause of aberrant splicing (PMID: 17576681, 9536098). Algorithms developed to predict the effect of sequence changes on RNA splicing suggest that this variant is not likely to affect RNA splicing. In summary, the available evidence is currently insufficient to determine the role of this variant in disease. Therefore, it has been classified as a Variant of Uncertain Significance.

Literature cited by the submitters: PubMed 17576681; PubMed 9536098.

NM_000548.5(TSC2):c.5160+6T>A

Gene: TSC2 (TSC complex subunit 2; plus strand). Cytogenetic location: 16p13.3.
Variant type: single nucleotide variant.
Coding change: c.5160+6T>A on transcript NM_000548.5 (MANE Select); 6 bases into the intron after coding-DNA position 5160, T replaced by A.
Molecular consequence: intron variant.
Genome position (GRCh38, 1-based): chr16:2,088,145, T>A. VCF-style: chr16-2088145-T-A. GRCh37 (hg19) VCF-style: chr16-2138146-T-A.
Other names: c.5091+6T>A (NM_001114382.3); c.5031+6T>A (NM_021055.3, NM_001370405.1); c.4962+6T>A (NM_001363528.2); c.5028+6T>A (NM_001370404.1); c.4959+6T>A (NM_001077183.3); c.4851+6T>A (NM_001318827.2); c.4428+6T>A (NM_001318831.2); c.4815+6T>A (NM_001318829.2); and 1 more.
Identifiers: ClinVar variation 999054 (VCV000999054.6), dbSNP rs1567130441, ClinGen allele CA2202031047.